The following is an entry in ClinVar:

NM_004006.3(DMD):c.7381del (p.Met2461fs)

Gene: DMD (dystrophin; minus strand). Cytogenetic location: Xp21.1.
Variant type: Deletion.
Coding change: c.7381del on transcript NM_004006.3 (MANE Select); coding-DNA position 7381, one base deleted (A; older notation c.7381delA).
Protein change: p.Met2461fs; shifts the reading frame from methionine 2461.
Molecular consequence: frameshift variant. On other transcripts: initiator codon variant (5).
Genome position (GRCh38, 1-based): chrX:31,774,121, T deleted on the plus strand (A on the coding strand, the reverse complement: DMD is on the minus strand); the first of 3 consecutive T bases (chrX:31,774,121-31,774,123); deleting any one gives the same sequence. VCF-style (leftmost placement, unchanged base first): chrX-31774120-AT-A. GRCh37 (hg19) VCF-style: chrX-31792237-AT-A.
Other names: c.7357del, p.Met2453fs (NM_000109.4); c.7369del, p.Met2457fs (NM_004009.3); c.7012del, p.Met2338fs (NM_004010.3); c.3358del, p.Met1120fs (NM_004011.4); c.3349del, p.Met1117fs (NM_004012.4); c.1del, p.Met1fs (NM_004013.3, NM_004020.4, NM_004021.3 and 2 more transcripts); short protein forms M1117fs, M1fs, M2453fs, M2338fs, M1120fs, M2457fs, M2461fs.
Identifiers: ClinVar variation 1453851 (VCV001453851.7), dbSNP rs2149245287, ClinGen allele CA2573158639.
Genomic context (GRCh38, chrX:31,774,120, plus strand): 5'-TCTGTCCAAGCCCGGTTGAAATCTGCCAGAGCAGGTACCTCCAACATCAAGGAAGATGGC[AT>A]TTCTAGTTTGGAGATGGCAGTTTCCTTAGTAACCACAGGTTGTGTCACCAGAGTAACAGT-3'

ClinVar aggregate classification (germline): Pathogenic (1 of 4 stars; one submission).

Conditions:
Duchenne muscular dystrophy (DMD). Also called: Duchenne Muscular Dystrophy (DMD); MUSCULAR DYSTROPHY, PSEUDOHYPERTROPHIC PROGRESSIVE, DUCHENNE TYPE. Identifiers: Orphanet 98896, MedGen C0013264, MONDO:0010679, OMIM 310200.

Submission:

Labcorp Genetics (formerly Invitae), Labcorp
Classification: Pathogenic for Duchenne muscular dystrophy. Last evaluated: 2021-01-21. Review status: criteria provided, single submitter. Criteria: Invitae Variant Classification Sherloc (09022015). Collection method: clinical testing. Allele origin: germline.
Comment: For these reasons, this variant has been classified as Pathogenic. This variant has not been reported in the literature in individuals with DMD-related conditions. This variant is not present in population databases (ExAC no frequency). This sequence change creates a premature translational stop signal (p.Met2461Cysfs*5) in the DMD gene. It is expected to result in an absent or disrupted protein product. Loss-of-function variants in DMD are known to be pathogenic (PMID: 16770791, 25007885).

Literature cited by the submitters: PubMed 16770791; PubMed 25007885.